The following is an entry in ClinVar:

ClinVar aggregate classification (germline): Pathogenic/Likely pathogenic. Review status: criteria provided, multiple submitters, no conflicts (2 of 4 stars). 4 submissions from 4 submitters: Pathogenic (1); Likely pathogenic (3). Last evaluated 2022-07-01.

Conditions:
Retinal dystrophy and obesity (RDOB). Identifiers: Orphanet 791, MedGen C4015424, MONDO:0014522, OMIM 616188.

gnomAD v4.1: 1 of 1,613,454 alleles (0.000062%); highest among the groups gnomAD compares: Non-Finnish European, 0.000085%; no homozygotes.

Submissions (4):

Labcorp Genetics (formerly Invitae), Labcorp
Classification: Likely pathogenic. Last evaluated: 2022-07-01. Review status: criteria provided, single submitter. Criteria: Invitae Variant Classification Sherloc (09022015). Collection method: clinical testing. Allele origin: germline.
Comment: This sequence change affects a donor splice site in intron 11 of the TUB gene. It is expected to disrupt RNA splicing. Variants that disrupt the donor or acceptor splice site typically lead to a loss of protein function (PMID: 16199547), and loss-of-function variants in TUB are known to be pathogenic (PMID: 24375934). This variant is not present in population databases (gnomAD no frequency). This variant has not been reported in the literature in individuals affected with TUB-related conditions. ClinVar contains an entry for this variant (Variation ID: 804249). Algorithms developed to predict the effect of sequence changes on RNA splicing suggest that this variant may disrupt the consensus splice site. In summary, the currently available evidence indicates that the variant is pathogenic, but additional data are needed to prove that conclusively. Therefore, this variant has been classified as Likely Pathogenic.

Ocular Genomics Institute, Massachusetts Eye and Ear
Classification: Pathogenic for Retinal dystrophy and obesity. Last evaluated: 2021-04-08. Review status: criteria provided, single submitter. Criteria: ACMG Guidelines, 2015. Collection method: research. Allele origin: germline. Affected: yes.
Comment: Through a review of available evidence we were able to apply the following criteria: PVS1, PM2, PM3. Based on this evidence we have classified this variant as Pathogenic.

New York Genome Center
Classification: Likely pathogenic for Retinal dystrophy and obesity. Last evaluated: 2020-12-08. Review status: criteria provided, single submitter. Criteria: NYGC Assertion Criteria 2020. Collection method: clinical testing. Allele origin: germline. Observed: 1 heterozygote.

Undiagnosed Diseases Network, NIH
Classification: Likely pathogenic for Retinal dystrophy and obesity. Last evaluated: 2019-08-26. Review status: criteria provided, single submitter. Criteria: ACMG Guidelines, 2015. Collection method: clinical testing. Allele origin: unknown. Inheritance: Autosomal recessive inheritance. Affected: yes. Observed: 2 variant alleles, 2 compound heterozygotes. Clinical features observed: Rod-cone dystrophy (HP:0000510), Progressive sensorineural hearing impairment (HP:0000408), Premature birth (HP:0001622), Optic neuropathy (HP:0001138), Obesity (HP:0001513), Intellectual disability (HP:0001249), Cataract (HP:0000518).

Literature cited by the submitters: PubMed 16199547 (cited by Labcorp Genetics (formerly Invitae), Labcorp); PubMed 24375934 (cited by Labcorp Genetics (formerly Invitae), Labcorp).

NM_177972.3(TUB):c.1215+1G>A

Genes: TUB (TUB bipartite transcription factor; plus strand), RIC3 (RIC3 acetylcholine receptor chaperone; minus strand). Cytogenetic location: 11p15.4.
Variant type: single nucleotide variant.
Coding change: c.1215+1G>A on transcript NM_177972.3 (MANE Select); the canonical splice donor site of the intron after coding-DNA position 1215, G replaced by A.
Molecular consequence: splice donor variant.
Genome position (GRCh38, 1-based): chr11:8,100,602, G>A. VCF-style: chr11-8100602-G-A. GRCh37 (hg19) VCF-style: chr11-8122149-G-A.
Other names: c.1380+1G>A (NM_003320.5).
Identifiers: ClinVar variation 804249 (VCV000804249.10), dbSNP rs1589996458, ClinGen allele CA379571613.